The following is an entry in ClinVar:

NM_000020.3(ACVRL1):c.223del (p.Glu75fs)

Gene: ACVRL1 (activin A receptor like type 1; plus strand). Cytogenetic location: 12q13.13.
Variant type: Deletion.
Coding change: c.223del on transcript NM_000020.3 (MANE Select); coding-DNA position 223, one base deleted (G; older notation c.223delG).
Protein change: p.Glu75fs; shifts the reading frame from glutamic acid 75.
Molecular consequence: frameshift variant.
Genome position (GRCh38, 1-based): chr12:51,913,260, G deleted; the last of 3 consecutive G bases (chr12:51,913,258-51,913,260); deleting any one gives the same sequence. VCF-style (leftmost placement, unchanged base first): chr12-51913257-AG-A. GRCh37 (hg19) VCF-style: chr12-52307041-AG-A.
Other names: c.223del, p.Glu75fs (NM_001077401.2); short protein forms E75fs.
Identifiers: ClinVar variation 1403776 (VCV001403776.8), dbSNP rs2139065347, ClinGen allele CA2573148775.

ClinVar aggregate classification (germline): Pathogenic (1 of 4 stars; one submission).

Conditions:
Telangiectasia, hereditary hemorrhagic, type 2 (HHT2). Also called: Telangiectasia, hereditary hemorrhagic, type II; ACVRL1-Related Hereditary Hemorrhagic Telangiectasia. Identifiers: Orphanet 774, MedGen C1838163, MONDO:0010880, OMIM 600376. Disease mechanism: loss of function.

Submission:

Labcorp Genetics (formerly Invitae), Labcorp
Classification: Pathogenic for Telangiectasia, hereditary hemorrhagic, type 2. Last evaluated: 2021-05-16. Review status: criteria provided, single submitter. Criteria: Invitae Variant Classification Sherloc (09022015). Collection method: clinical testing. Allele origin: germline.
Comment: This variant has been observed in individual(s) with hereditary hemorrhagic telangiectasia (PMID: 23805858). This variant is also known as ALK1, c.221delG (p.R74fx47). This variant is not present in population databases (ExAC no frequency). This sequence change creates a premature translational stop signal (p.Glu75Serfs*47) in the ACVRL1 gene. It is expected to result in an absent or disrupted protein product. Loss-of-function variants in ACVRL1 are known to be pathogenic (PMID: 15879500). For these reasons, this variant has been classified as Pathogenic.

Literature cited by the submitters: PubMed 23805858; PubMed 15879500.